The following is an entry in ClinVar:

ClinVar aggregate classification (germline): Conflicting classifications of pathogenicity. Review status: criteria provided, conflicting classifications (1 of 4 stars). 2 submissions from 2 submitters: Uncertain significance (1); Likely benign (1). Last evaluated 2023-12-11.

Conditions:
Methylmalonic acidemia with homocystinuria, type cblX (MAHCX). Also called: INTELLECTUAL DEVELOPMENTAL DISORDER, X-LINKED 3. Identifiers: Orphanet 369962, MedGen C0796208, MONDO:0010657, OMIM 309541.

gnomAD v4.1: 9 of 1,197,090 alleles (0.00075%); highest among the groups gnomAD compares: Non-Finnish European, 0.001%; no homozygotes.

Submissions (2):

Labcorp Genetics (formerly Invitae), Labcorp
Classification: Likely benign for Methylmalonic acidemia with homocystinuria, type cblX. Last evaluated: 2023-12-11. Review status: criteria provided, single submitter. Criteria: Invitae Variant Classification Sherloc (09022015). Collection method: clinical testing. Allele origin: germline.

CeGaT Center for Human Genetics Tuebingen
Classification: Uncertain significance. Last evaluated: 2023-03-01. Review status: criteria provided, single submitter. Criteria: CeGaT Center For Human Genetics Tuebingen Variant Classification Criteria Version 2. Collection method: clinical testing. Allele origin: germline. Affected: yes. Observed: 1 variant allele.
Comment: HCFC1: PP2

NM_005334.3(HCFC1):c.4639G>A (p.Val1547Met)

Gene: HCFC1 (host cell factor C1; minus strand). Cytogenetic location: Xq28.
Variant type: single nucleotide variant.
Coding change: c.4639G>A on transcript NM_005334.3 (MANE Select); coding-DNA position 4639, G replaced by A.
Protein change: p.Val1547Met; replaces valine 1547 with methionine.
Molecular consequence: missense variant.
Genome position (GRCh38, 1-based): chrX:153,952,817, C>T on the plus strand (G>A on the coding strand, the complement: HCFC1 is on the minus strand). VCF-style: chrX-153952817-C-T. GRCh37 (hg19) VCF-style: chrX-153218268-C-T.
Other names: c.4771G>A, p.Val1591Met (NM_001410705.1); short protein forms V1547M, V1591M.
Identifiers: ClinVar variation 2661765 (VCV002661765.27), dbSNP rs781955447, ClinGen allele CA10556929.
Genomic context (GRCh38, chrX:153,952,817, plus strand): 5'-CCACCGCAGAGCCGGCAGACTCCTGGCCCGAAGATGGCTCCCCTGTGCTGCTCAGATCCA[C>T]GGCGGCCGGGAGCTCAGGGGTCTGGGAGGCTGACAGGACCTCGGCGGACTCCCCCATCAG-3'
Protein context (NP_005325.2, residues 1537-1557): ASQTPELPAA[Val1547Met]DLSSTGEPSS